The following is an entry in ClinVar:

NM_000081.4(LYST):c.6845A>G (p.Tyr2282Cys)

Gene: LYST (lysosomal trafficking regulator; minus strand). Cytogenetic location: 1q42.3.
Variant type: single nucleotide variant.
Coding change: c.6845A>G on transcript NM_000081.4 (MANE Select); coding-DNA position 6845, A replaced by G.
Protein change: p.Tyr2282Cys; replaces tyrosine 2282 with cysteine.
Molecular consequence: missense variant.
Genome position (GRCh38, 1-based): chr1:235,759,008, T>C on the plus strand (A>G on the coding strand, the complement: LYST is on the minus strand). VCF-style: chr1-235759008-T-C. GRCh37 (hg19) VCF-style: chr1-235922308-T-C.
Other names: c.6845A>G, p.Tyr2282Cys (NM_001301365.1); short protein forms Y2282C.
Identifiers: ClinVar variation 1419295 (VCV001419295.7), dbSNP rs766070741, ClinGen allele CA344938980.

ClinVar aggregate classification (germline): Uncertain significance (1 of 4 stars; one submission).

Conditions:
Chédiak-Higashi syndrome (CHS). Also called: Chediak-Higashi Syndrome. Identifiers: Orphanet 167, MedGen C0007965, MONDO:0008963, OMIM 214500.

Submission:

Labcorp Genetics (formerly Invitae), Labcorp
Classification: Uncertain significance for Chédiak-Higashi syndrome. Last evaluated: 2021-05-29. Review status: criteria provided, single submitter. Criteria: Invitae Variant Classification Sherloc (09022015). Collection method: clinical testing. Allele origin: germline.
Comment: Algorithms developed to predict the effect of sequence changes on RNA splicing suggest that this variant may create or strengthen a splice site, but this prediction has not been confirmed by published transcriptional studies. This sequence change replaces tyrosine with cysteine at codon 2282 of the LYST protein (p.Tyr2282Cys). The tyrosine residue is moderately conserved and there is a large physicochemical difference between tyrosine and cysteine. This variant is not present in population databases (ExAC no frequency). This variant has not been reported in the literature in individuals with LYST-related conditions. Algorithms developed to predict the effect of missense changes on protein structure and function output the following: SIFT: "Tolerated"; PolyPhen-2: "Probably Damaging"; Align-GVGD: "Class C0". The cysteine amino acid residue is found in multiple mammalian species, suggesting that this missense change does not adversely affect protein function. These predictions have not been confirmed by published functional studies and their clinical significance is uncertain. In summary, the available evidence is currently insufficient to determine the role of this variant in disease. Therefore, it has been classified as a Variant of Uncertain Significance.